The following is an entry in ClinVar:

ClinVar aggregate classification (germline): Uncertain significance (1 of 4 stars; one submission).

Conditions:
Hereditary cancer-predisposing syndrome. Also called: Neoplastic Syndromes, Hereditary; Tumor predisposition; Hereditary neoplastic syndrome; Hereditary Cancer Syndrome. Identifiers: Orphanet 140162, MedGen C0027672, MeSH D009386, MONDO:0015356.

Submission:

Ambry Genetics
Classification: Uncertain significance for Hereditary cancer-predisposing syndrome. Last evaluated: 2026-07-07. Review status: criteria provided, single submitter. Criteria: Ambry Variant Classification Scheme 2023. Collection method: clinical testing. Allele origin: germline.
Comment: The p.F463L variant (also known as c.1389T>G), located in coding exon 9 of the MSH3 gene, results from a T to G substitution at nucleotide position 1389. The phenylalanine at codon 463 is replaced by leucine, an amino acid with highly similar properties. This amino acid position is conserved. In addition, this alteration is predicted to be deleterious by in silico analysis. Based on the available evidence, the clinical significance of this variant remains unclear.

NM_002439.5(MSH3):c.1389T>G (p.Phe463Leu)

Gene: MSH3 (mutS homolog 3; plus strand). Cytogenetic location: 5q14.1.
Variant type: single nucleotide variant.
Coding change: c.1389T>G on transcript NM_002439.5 (MANE Select); coding-DNA position 1389, T replaced by G.
Protein change: p.Phe463Leu; replaces phenylalanine 463 with leucine.
Molecular consequence: missense variant.
Genome position (GRCh38, 1-based): chr5:80,725,501, T>G. VCF-style: chr5-80725501-T-G. GRCh37 (hg19) VCF-style: chr5-80021320-T-G.
Other names: short protein forms F463L.
Identifiers: ClinVar variation 5024797 (VCV005024797.1).